The following is an entry in ClinVar:

ClinVar aggregate classification (germline): Benign/Likely benign. Review status: criteria provided, multiple submitters, no conflicts (2 of 4 stars). 4 submissions from 4 submitters: Benign (1); Likely benign (3). Last evaluated 2026-01-15.

Allele frequency attached by ClinVar (database versions not stated): 1000 Genomes Project 0.00519; gnomAD exomes 0.00071 and 0.00138; ExAC 0.00170; gnomAD 0.00445 and 0.00469; 1000 Genomes Project 30x 0.00468; ESP Exome Variant Server 0.00500; TOPMed 0.00514.
gnomAD v4.1: 1,766 of 1,614,088 alleles (0.11%); highest among the groups gnomAD compares: African/African-American, 1.6%; 11 homozygotes.

Submissions (4):

Labcorp Genetics (formerly Invitae), Labcorp
Classification: Benign. Last evaluated: 2026-01-15. Review status: criteria provided, single submitter. Criteria: Invitae Variant Classification Sherloc (09022015). Collection method: clinical testing. Allele origin: germline.

Mayo Clinic Laboratories, Mayo Clinic
Classification: Likely benign. Last evaluated: 2025-01-15. Review status: criteria provided, single submitter. Criteria: ACMG Guidelines, 2015. Collection method: clinical testing. Allele origin: germline. Observed: 1 variant allele.
Comment: BS1, BS2_supporting, BP4_moderate, BP7

GeneDx
Classification: Likely benign. Last evaluated: 2018-12-31. Review status: criteria provided, single submitter. Criteria: GeneDx Variant Classification Process June 2021. Collection method: clinical testing. Allele origin: germline. Affected: yes.

Breakthrough Genomics
Classification: Likely benign. Review status: criteria provided, single submitter. Criteria: ACMG Guidelines, 2015. Collection method: not provided. Allele origin: germline. Inheritance: Autosomal recessive inheritance. Affected: yes.

NM_021254.4(CFAP298):c.270G>A (p.Val90=)

Genes: CFAP298 (cilia and flagella associated protein 298; minus strand), CFAP298-TCP10L (CFAP298-TCP10L readthrough; minus strand). Cytogenetic location: 21q22.11.
Variant type: single nucleotide variant.
Coding change: c.270G>A on transcript NM_021254.4 (MANE Select); coding-DNA position 270, G replaced by A.
Protein change: p.Val90=; no amino-acid change (valine 90 retained).
Molecular consequence: synonymous variant. On other transcripts: non-coding transcript variant (2), missense variant (1).
Genome position (GRCh38, 1-based): chr21:32,609,875, C>T on the plus strand (G>A on the coding strand, the complement: CFAP298 is on the minus strand). VCF-style: chr21-32609875-C-T. GRCh37 (hg19) VCF-style: chr21-33982185-C-T.
Other names: p.Val90=; c.270G>A, p.Val90= (NM_001350338.2, NM_001350335.2, NM_001350336.2 and 1 more transcripts); c.41G>A, p.Cys14Tyr (NM_001350334.2); short protein forms C14Y.
Identifiers: ClinVar variation 413306 (VCV000413306.15), dbSNP rs111591095, ClinGen allele CA10002931.
Genomic context (GRCh38, chr21:32,609,875, plus strand): 5'-ATAGAAGAGAAATCCTCACTTACCTTGCCCATTCCTTCGTCCAATATCATCCTTTTTAAA[C>T]ACTGCACCTCCGCTGGGTACGCATTTTTCACCCCATTCATCCTTCAATTTCAATTCTTCA-3'
Protein context (NP_067077.1, residues 80-100): GEKCVPSGGA[Val90=]FKKDDIGRRN